The following is an entry in ClinVar:

NM_001374736.1(DST):c.16565G>A (p.Gly5522Asp)

Gene: DST (dystonin; minus strand). Cytogenetic location: 6p12.1.
Variant type: single nucleotide variant.
Coding change: c.16565G>A on transcript NM_001374736.1 (MANE Select); coding-DNA position 16565, G replaced by A.
Protein change: p.Gly5522Asp; replaces glycine 5522 with aspartic acid.
Molecular consequence: missense variant.
Genome position (GRCh38, 1-based): chr6:56,552,227, C>T on the plus strand (G>A on the coding strand, the complement: DST is on the minus strand). VCF-style: chr6-56552227-C-T. GRCh37 (hg19) VCF-style: chr6-56417025-C-T.
Other names: c.8696G>A, p.Gly2899Asp (NM_015548.5); c.9674G>A, p.Gly3225Asp (NM_183380.4, NM_001374730.1, NM_001386100.1); c.10208G>A, p.Gly3403Asp (NM_001144769.5); c.9794G>A, p.Gly3265Asp (NM_001144770.2); c.16565G>A, p.Gly5522Asp (NM_001374722.1); c.15932G>A, p.Gly5311Asp (NM_001374729.1); c.16592G>A, p.Gly5531Asp (NM_001374734.1); short protein forms G5311D, G5522D, G5531D, G2899D, G3225D, G3403D, G3265D.
Identifiers: ClinVar variation 1423495 (VCV001423495.6), dbSNP rs779572010, ClinGen allele CA3867661.
Genomic context (GRCh38, chr6:56,552,227, plus strand): 5'-AATGAAGAGTTCCCTACCTTGAACATGTTAAGCTGCTGATTAATTGTCTCCGTTTCCATA[C>T]CAACAGGACCTTGTGACTCTTCATGTTCTTCGGCTTTCTGGAGCAGAATAGAAAATTCTT-3'
Protein context (NP_001361665.1, residues 5512-5532): EEHEESQGPV[Gly5522Asp]METETINQQL

ClinVar aggregate classification (germline): Uncertain significance (1 of 4 stars; one submission).

Conditions:
Epidermolysis bullosa simplex 3, localized or generalized intermediate, with BP230 deficiency (EBS3). Also called: Epidermolysis bullosa simplex due to BP230 deficiency; Epidermolysis bullosa simplex, autosomal recessive 2. Identifiers: Orphanet 412181, MedGen C3809470, MONDO:0014180, OMIM 615425.
Hereditary sensory and autonomic neuropathy type 6. Also called: Neuropathy, hereditary sensory and autonomic, type VI; HSAN VI. Identifiers: Orphanet 314381, MedGen C3539003, MONDO:0013839, OMIM 614653.

Allele frequency attached by ClinVar (database versions not stated): gnomAD 0.00001; gnomAD exomes 0.00001; TOPMed 0.00001; ExAC 0.00002.
gnomAD v4.1: 5 of 1,613,324 alleles (0.00031%); highest among the groups gnomAD compares: Non-Finnish European, 0.00042%; no homozygotes.

Submission:

Labcorp Genetics (formerly Invitae), Labcorp
Classification: Uncertain significance for Epidermolysis bullosa simplex 3, localized or generalized intermediate, with BP230 deficiency; Hereditary sensory and autonomic neuropathy type 6. Last evaluated: 2022-02-21. Review status: criteria provided, single submitter. Criteria: Invitae Variant Classification Sherloc (09022015). Collection method: clinical testing. Allele origin: germline.
Comment: In summary, the available evidence is currently insufficient to determine the role of this variant in disease. Therefore, it has been classified as a Variant of Uncertain Significance. Experimental studies and prediction algorithms are not available or were not evaluated, and the functional significance of this variant is currently unknown. This variant has not been reported in the literature in individuals affected with DST-related conditions. This variant is present in population databases (rs779572010, gnomAD 0.002%). This sequence change replaces glycine, which is neutral and non-polar, with aspartic acid, which is acidic and polar, at codon 2899 of the DST protein (p.Gly2899Asp). The DST gene has multiple clinically relevant transcripts. This variant occurs in alternate transcript NM_015548.4, and corresponds to NM_001723.5:c.*63290G>A in the primary transcript.